The following is an entry in ClinVar:

NM_002474.3(MYH11):c.2308T>C (p.Phe770Leu)

Gene: MYH11 (myosin heavy chain 11; minus strand). Cytogenetic location: 16p13.11.
Variant type: single nucleotide variant.
Coding change: c.2308T>C on transcript NM_002474.3 (MANE Select); coding-DNA position 2308, T replaced by C.
Protein change: p.Phe770Leu; replaces phenylalanine 770 with leucine.
Molecular consequence: missense variant.
Genome position (GRCh38, 1-based): chr16:15,747,673, A>G on the plus strand (T>C on the coding strand, the complement: MYH11 is on the minus strand). VCF-style: chr16-15747673-A-G. GRCh37 (hg19) VCF-style: chr16-15841530-A-G.
Other names: c.2329T>C, p.Phe777Leu (NM_001040113.2, NM_001040114.2); c.2308T>C, p.Phe770Leu (NM_022844.3); c.2308T>C (NM_002474.2); short protein forms F770L, F777L.
Identifiers: ClinVar variation 979127 (VCV000979127.7), dbSNP rs571704734, ClinGen allele CA7922317.
Genomic context (GRCh38, chr16:15,747,673, plus strand): 5'-TGACATCGGTGATCTTCAAATCTCGCTCCTCCTCTAGGTGGGCCAGGACGCCAGTTCGGA[A>G]GAAGATTTTGCTCTGCCCTATCCTGTATAAGTTGGGGTCAAGTTCCAGGGCTTTGATCTG-3'
Protein context (NP_002465.1, residues 760-780): LYRIGQSKIF[Phe770Leu]RTGVLAHLEE

ClinVar aggregate classification (germline): Uncertain significance. Review status: criteria provided, multiple submitters, no conflicts (2 of 4 stars). 3 submissions from 3 submitters: Uncertain significance (3). Last evaluated 2024-06-10.

Conditions:
Familial thoracic aortic aneurysm and aortic dissection (TAAD). Also called: Thoracic aortic aneurysms and dissections. Identifiers: Orphanet 91387, MedGen C4707243, MONDO:0019625.
Aortic aneurysm, familial thoracic 4 (AAT4). Also called: AORTIC ANEURYSM/AORTIC DISSECTION AND PATENT DUCTUS ARTERIOSUS. Identifiers: MedGen C1851504, MONDO:0007568, OMIM 132900.

Allele frequency attached by ClinVar (database versions not stated): gnomAD exomes below 0.00001; ExAC 0.00001; TOPMed 0.00001.
gnomAD v4.1: 11 of 1,614,096 alleles (0.00068%); highest among the groups gnomAD compares: Non-Finnish European, 0.00085%; no homozygotes.

Submissions (3):

Labcorp Genetics (formerly Invitae), Labcorp
Classification: Uncertain significance for Aortic aneurysm, familial thoracic 4. Last evaluated: 2024-06-10. Review status: criteria provided, single submitter. Criteria: Invitae Variant Classification Sherloc (09022015). Collection method: clinical testing. Allele origin: germline.
Comment: This sequence change replaces phenylalanine, which is neutral and non-polar, with leucine, which is neutral and non-polar, at codon 777 of the MYH11 protein (p.Phe777Leu). This variant is present in population databases (rs571704734, gnomAD 0.0009%). This variant has not been reported in the literature in individuals affected with MYH11-related conditions. ClinVar contains an entry for this variant (Variation ID: 979127). Advanced modeling of protein sequence and biophysical properties (such as structural, functional, and spatial information, amino acid conservation, physicochemical variation, residue mobility, and thermodynamic stability) performed at Invitae indicates that this missense variant is not expected to disrupt MYH11 protein function with a negative predictive value of 95%. In summary, the available evidence is currently insufficient to determine the role of this variant in disease. Therefore, it has been classified as a Variant of Uncertain Significance.

Ambry Genetics
Classification: Uncertain significance for Familial thoracic aortic aneurysm and aortic dissection. Last evaluated: 2024-05-30. Review status: criteria provided, single submitter. Criteria: Ambry Variant Classification Scheme 2023. Collection method: clinical testing. Allele origin: germline.
Comment: The p.F770L variant (also known as c.2308T>C), located in coding exon 18 of the MYH11 gene, results from a T to C substitution at nucleotide position 2308. The phenylalanine at codon 770 is replaced by leucine, an amino acid with highly similar properties. This amino acid position is conserved. In addition, this alteration is predicted to be deleterious by in silico analysis. Based on the available evidence, the clinical significance of this variant remains unclear.

Human Genome Sequencing Center Clinical Lab, Baylor College of Medicine
Classification: Uncertain significance for Familial thoracic aortic aneurysm 4. Review status: criteria provided, single submitter. Criteria: ACMG Guidelines, 2015. Collection method: clinical testing. Allele origin: germline.